The following is an entry in ClinVar:

ClinVar aggregate classification (germline): Uncertain significance (1 of 4 stars; one submission).

Submission:

GeneDx
Classification: Uncertain significance. Last evaluated: 2026-03-12. Review status: criteria provided, single submitter. Criteria: GeneDx Variant Classification Process June 2021. Collection method: clinical testing. Allele origin: germline.
Comment: Not observed at significant frequency in large population cohorts (gnomAD); In silico analysis suggests that this missense variant does not alter protein structure/function; Has not been previously published as pathogenic or benign to our knowledge; This substitution is predicted to be within the C-terminal cytoplasmic domain

NM_001330260.2(SCN8A):c.5757G>T (p.Lys1919Asn)

Gene: SCN8A (sodium voltage-gated channel alpha subunit 8; plus strand). Cytogenetic location: 12q13.13.
Variant type: single nucleotide variant.
Coding change: c.5757G>T on transcript NM_001330260.2 (MANE Select); coding-DNA position 5757, G replaced by T.
Protein change: p.Lys1919Asn; replaces lysine 1919 with asparagine.
Molecular consequence: missense variant.
Genome position (GRCh38, 1-based): chr12:51,807,243, G>T. VCF-style: chr12-51807243-G-T. GRCh37 (hg19) VCF-style: chr12-52201027-G-T.
Other names: c.5634G>T, p.Lys1878Asn (NM_001177984.3, NM_001369788.1); c.5757G>T, p.Lys1919Asn (NM_014191.4); short protein forms K1919N, K1878N.
Identifiers: ClinVar variation 5008699 (VCV005008699.1).